The following is an entry in ClinVar:

NM_001349338.3(FOXP1):c.90C>G (p.Gly30=)

Gene: FOXP1 (forkhead box P1; minus strand). Cytogenetic location: 3p13.
Variant type: single nucleotide variant.
Coding change: c.90C>G on transcript NM_001349338.3 (MANE Select); coding-DNA position 90, C replaced by G.
Protein change: p.Gly30=; no amino-acid change (glycine 30 retained).
Molecular consequence: synonymous variant. On other transcripts: non-coding transcript variant (2).
Genome position (GRCh38, 1-based): chr3:71,198,292, G>C on the plus strand (C>G on the coding strand, the complement: FOXP1 is on the minus strand). VCF-style: chr3-71198292-G-C. GRCh37 (hg19) VCF-style: chr3-71247443-G-C.
Other names: c.90C>G, p.Gly30= (NM_001012505.2, NM_001244808.3, NM_001244810.2 and 7 more transcripts).
Identifiers: ClinVar variation 3061505 (VCV003061505.5), dbSNP rs199633590, ClinGen allele CA2491464.

ClinVar aggregate classification (germline): Likely benign. Review status: criteria provided, multiple submitters, no conflicts (2 of 4 stars). 3 submissions from 3 submitters: Likely benign (2). 1 of the submissions does not count toward it. Last evaluated 2025-06-15.

Conditions:
FOXP1-related disorder. Also called: FOXP1-related condition.

gnomAD v4.1: 35 of 1,613,964 alleles (0.0022%); highest among the groups gnomAD compares: Non-Finnish European, 0.0027%; no homozygotes.

Submissions (3):

Labcorp Genetics (formerly Invitae), Labcorp
Classification: Likely benign. Last evaluated: 2025-06-15. Review status: criteria provided, single submitter. Criteria: Invitae Variant Classification Sherloc (09022015). Collection method: clinical testing. Allele origin: germline.

Blueprint Genetics
Classification: Likely benign. Last evaluated: 2021-01-22. Review status: criteria provided, single submitter. Criteria: ACMG Guidelines, 2015. Collection method: clinical testing. Allele origin: germline.

PreventionGenetics, part of Exact Sciences
Classification: Likely benign for FOXP1-related condition. Last evaluated: 2022-04-03. Review status: no assertion criteria provided. Collection method: clinical testing. Allele origin: germline. Not counted in ClinVar's aggregate classification.
Comment: This variant is classified as likely benign based on ACMG/AMP sequence variant interpretation guidelines (Richards et al. 2015 PMID: 25741868, with internal and published modifications).